The following is an entry in ClinVar:

ClinVar aggregate classification (germline): Conflicting classifications of pathogenicity. Review status: criteria provided, conflicting classifications (1 of 4 stars). 6 submissions from 6 submitters: Uncertain significance (5); Likely benign (1). Last evaluated 2026-02-12.

Conditions:
AARS1-related disorder. Also called: AARS1-related condition.
Inborn genetic diseases. Identifiers: MedGen C0950123, MeSH D030342.
Charcot-Marie-Tooth disease. Also called: Charcot-Marie-Tooth Hereditary Neuropathy; Charcot-Marie-Tooth Neuropathy. Identifiers: Orphanet 166, MedGen C0007959, MONDO:0015626.
Charcot-Marie-Tooth disease type 2. Also called: Charcot-Marie-Tooth type 2. Identifiers: Orphanet 64746, MedGen C0270914, MONDO:0018993.

Allele frequency attached by ClinVar (database versions not stated): gnomAD exomes 0.00004; ExAC 0.00008; gnomAD 0.00012 and 0.00013; TOPMed 0.00014; ESP Exome Variant Server 0.00023.

Submissions (6):

GeneDx
Classification: Uncertain significance. Last evaluated: 2026-02-12. Review status: criteria provided, single submitter. Criteria: GeneDx Variant Classification Process June 2021. Collection method: clinical testing. Allele origin: germline.
Comment: Reported in one individual from a cohort of patients with suspected Charcot-Marie-Tooth disease (PMID: 32376792); In silico analysis supports that this missense variant has a deleterious effect on protein structure/function; This variant is associated with the following publications: (PMID: 25817015, 32376792, 32403337)

PreventionGenetics, part of Exact Sciences
Classification: Uncertain significance for AARS1-related condition. Last evaluated: 2026-01-12. Review status: criteria provided, single submitter. Criteria: ACMG Guidelines, 2015. Collection method: clinical testing. Allele origin: germline.
Comment: The AARS1 c.2192C>T variant is predicted to result in the amino acid substitution p.Ser731Leu. This variant was reported in an individual with distal muscle weakness and pes cavus (Supp. data, P45 in Gonzalez-Quereda et al. 2020. PubMed ID: 32403337). This variant was reported as a variant of uncertain significance in an individual from a large cohort study of Charcot-Marie-Tooth disease; however, additional evidence was not provided (Volodarsky et al. 2021. PubMed ID: 32376792). This variant is reported in 0.044% of alleles in individuals of African descent in gnomAD. At this time, the clinical significance of this variant is uncertain due to the absence of conclusive functional and genetic evidence.

Labcorp Genetics (formerly Invitae), Labcorp
Classification: Likely benign for Charcot-Marie-Tooth disease type 2. Last evaluated: 2025-10-02. Review status: criteria provided, single submitter. Criteria: Invitae Variant Classification Sherloc (09022015). Collection method: clinical testing. Allele origin: germline.

Ambry Genetics
Classification: Uncertain significance for Inborn genetic diseases. Last evaluated: 2020-11-12. Review status: criteria provided, single submitter. Criteria: Ambry Variant Classification Scheme 2023. Collection method: clinical testing. Allele origin: germline.
Comment: The p.S731L variant (also known as c.2192C>T), located in coding exon 15 of the AARS gene, results from a C to T substitution at nucleotide position 2192. The serine at codon 731 is replaced by leucine, an amino acid with dissimilar properties. This amino acid position is highly conserved in available vertebrate species. In addition, this alteration is predicted to be deleterious by in silico analysis. Based on the supporting evidence, this variant is unlikely to be causative of Charcot-Marie-Tooth disease, axonal, type 2N (CMT2N); however, its contribution to the development of AARS-related early infantile epileptic encephalopathy (EIEE) is uncertain.

Eurofins Ntd Llc (ga)
Classification: Uncertain significance. Last evaluated: 2015-11-11. Review status: criteria provided, single submitter. Criteria: EGL Classification Definitions 2015. Collection method: clinical testing. Allele origin: germline. Observed: 1 variant allele, 1 heterozygote.

Molecular Genetics Laboratory, London Health Sciences Centre
Classification: Uncertain significance for Charcot-Marie-Tooth disease. Review status: criteria provided, single submitter. Criteria: ACMG Guidelines, 2015. Collection method: clinical testing. Allele origin: germline. Affected: yes.

NM_001605.3(AARS1):c.2192C>T (p.Ser731Leu)

Gene: AARS1 (alanyl-tRNA synthetase 1; minus strand). Cytogenetic location: 16q22.1.
Variant type: single nucleotide variant.
Coding change: c.2192C>T on transcript NM_001605.3 (MANE Select); coding-DNA position 2192, C replaced by T.
Protein change: p.Ser731Leu; replaces serine 731 with leucine.
Molecular consequence: missense variant.
Genome position (GRCh38, 1-based): chr16:70,255,822, G>A on the plus strand (C>T on the coding strand, the complement: AARS1 is on the minus strand). VCF-style: chr16-70255822-G-A. GRCh37 (hg19) VCF-style: chr16-70289725-G-A.
Other names: short protein forms S731L.
Identifiers: ClinVar variation 284220 (VCV000284220.19), dbSNP rs150873930, ClinGen allele CA8140519.